The following is an entry in ClinVar:

NM_153460.4(IL17RC):c.1288C>T (p.Arg430Cys)

Gene: IL17RC (interleukin 17 receptor C; plus strand). Cytogenetic location: 3p25.3.
Variant type: single nucleotide variant.
Coding change: c.1288C>T on transcript NM_153460.4 (MANE Select); coding-DNA position 1288, C replaced by T.
Protein change: p.Arg430Cys; replaces arginine 430 with cysteine.
Molecular consequence: missense variant. On other transcripts: non-coding transcript variant (1).
Genome position (GRCh38, 1-based): chr3:9,930,409, C>T. VCF-style: chr3-9930409-C-T. GRCh37 (hg19) VCF-style: chr3-9972093-C-T.
Other names: c.1288C>T, p.Arg430Cys (NM_001203263.2); c.1237C>T, p.Arg413Cys (NM_001203264.2); c.1192C>T, p.Arg398Cys (NM_001203265.2); c.1249C>T, p.Arg417Cys (NM_001367278.1); c.1168C>T, p.Arg390Cys (NM_001367279.1); c.1243C>T, p.Arg415Cys (NM_001367280.1, NM_032732.6); c.1501C>T, p.Arg501Cys (NM_153461.4); short protein forms R390C, R398C, R413C, R415C, R417C, R430C, R501C.
Identifiers: ClinVar variation 1056533 (VCV001056533.5), dbSNP rs1232487404, ClinGen allele CA351700246.

ClinVar aggregate classification (germline): Uncertain significance (1 of 4 stars; one submission).

Conditions:
Candidiasis, familial, 9 (CANDF9). Identifiers: Orphanet 1334, MedGen C4225324, MONDO:0014642, OMIM 616445.

Allele frequency attached by ClinVar (database versions not stated): gnomAD exomes below 0.00001; gnomAD 0.00001; TOPMed 0.00001.
gnomAD v4.1: 4 of 1,613,908 alleles (0.00025%); highest among the groups gnomAD compares: African/African-American, 0.0027%; no homozygotes.

Submission:

Labcorp Genetics (formerly Invitae), Labcorp
Classification: Uncertain significance for Candidiasis, familial, 9. Last evaluated: 2024-02-17. Review status: criteria provided, single submitter. Criteria: Invitae Variant Classification Sherloc (09022015). Collection method: clinical testing. Allele origin: germline.
Comment: This sequence change replaces arginine, which is basic and polar, with cysteine, which is neutral and slightly polar, at codon 501 of the IL17RC protein (p.Arg501Cys). This variant is not present in population databases (gnomAD no frequency). This variant has not been reported in the literature in individuals affected with IL17RC-related conditions. ClinVar contains an entry for this variant (Variation ID: 1056533). An algorithm developed to predict the effect of missense changes on protein structure and function (PolyPhen-2) suggests that this variant is likely to be disruptive. Algorithms developed to predict the effect of sequence changes on RNA splicing suggest that this variant may disrupt the consensus splice site. In summary, the available evidence is currently insufficient to determine the role of this variant in disease. Therefore, it has been classified as a Variant of Uncertain Significance.